The following is an entry in ClinVar:

ClinVar aggregate classification (germline): Conflicting classifications of pathogenicity. Review status: criteria provided, conflicting classifications (1 of 4 stars). 3 submissions from 3 submitters: Uncertain significance (2); Likely benign (1). Last evaluated 2025-06-24.

Conditions:
Hereditary cancer-predisposing syndrome. Also called: Neoplastic Syndromes, Hereditary; Tumor predisposition; Hereditary Cancer Syndrome; Hereditary neoplastic syndrome. Identifiers: Orphanet 140162, MedGen C0027672, MeSH D009386, MONDO:0015356.

Submissions (3):

Color Diagnostics, LLC DBA Color Health
Classification: Uncertain significance for Hereditary cancer-predisposing syndrome. Last evaluated: 2025-06-24. Review status: criteria provided, single submitter. Criteria: ACMG Guidelines, 2015. Collection method: clinical testing. Allele origin: germline.
Comment: This missense variant replaces leucine with proline at codon 347 of the BRCA1 protein. Computational prediction is inconclusive regarding the impact of this variant on protein structure and function. To our knowledge, functional studies have not been reported for this variant. This variant has not been reported in individuals affected with BRCA1-related disorders in the literature. This variant has not been identified in the general population by the Genome Aggregation Database (gnomAD). The available evidence is insufficient to determine the role of this variant in disease conclusively. Therefore, this variant is classified as a Variant of Uncertain Significance.

Ambry Genetics
Classification: Uncertain significance for Hereditary cancer-predisposing syndrome. Last evaluated: 2024-11-13. Review status: criteria provided, single submitter. Criteria: Ambry Variant Classification Scheme 2023. Collection method: clinical testing. Allele origin: germline.
Comment: The p.L347P variant (also known as c.1040T>C), located in coding exon 9 of the BRCA1 gene, results from a T to C substitution at nucleotide position 1040. The leucine at codon 347 is replaced by proline, an amino acid with similar properties. This amino acid position is well conserved in available vertebrate species. In addition, the in silico prediction for this alteration is inconclusive. Based on the available evidence, the clinical significance of this variant remains unclear.

University of Washington Department of Laboratory Medicine, University of Washington
Classification: Likely benign for Hereditary cancer-predisposing syndrome. Last evaluated: 2023-03-23. Review status: criteria provided, single submitter. Criteria: Dines et al. (Genet Med. 2020). Collection method: curation. Allele origin: germline.
Comment: Missense variant in a coldspot region where missense variants are very unlikely to be pathogenic (PMID:31911673).

BRCA1 coldspot (exon 11 using historical exon numbering). Reclassification based on statistical prior probability

NM_007294.4(BRCA1):c.1040T>C (p.Leu347Pro)

Gene: BRCA1 (BRCA1 DNA repair associated; minus strand). Cytogenetic location: 17q21.31.
Variant type: single nucleotide variant.
Coding change: c.1040T>C on transcript NM_007294.4 (MANE Select); coding-DNA position 1040, T replaced by C.
Protein change: p.Leu347Pro; replaces leucine 347 with proline.
Molecular consequence: missense variant. On other transcripts: intron variant (137).
Genome position (GRCh38, 1-based): chr17:43,094,491, A>G on the plus strand (T>C on the coding strand, the complement: BRCA1 is on the minus strand). VCF-style: chr17-43094491-A-G. GRCh37 (hg19) VCF-style: chr17-41246508-A-G.
Other names: c.1040T>C, p.Leu347Pro (NM_001407593.1, NM_001407594.1, NM_001407596.1 and 30 more transcripts); c.1037T>C, p.Leu346Pro (NM_001407610.1, NM_001407611.1, NM_001407613.1 and 22 more transcripts); c.899T>C, p.Leu300Pro (NM_001407942.1, NM_001407944.1, NM_001407945.1 and 29 more transcripts); c.896T>C, p.Leu299Pro (NM_001407943.1, NM_001407964.1, NM_001407740.1 and 20 more transcripts); c.707T>C, p.Leu236Pro (NM_001407946.1, NM_001407947.1, NM_001407948.1 and 6 more transcripts); c.704T>C, p.Leu235Pro (NM_001407954.1, NM_001407955.1, NM_001407956.1 and 1 more transcripts); c.659T>C, p.Leu220Pro (NM_001407959.1, NM_001407960.1, NM_001407963.1); c.656T>C, p.Leu219Pro (NM_001407962.1); and 40 more; short protein forms L300P, L347P, L219P, L236P, L299P, L320P, L259P, L276P.
Identifiers: ClinVar variation 924649 (VCV000924649.7), dbSNP rs757987511, ClinGen allele CA10599980.